The following is an entry in ClinVar:

NM_022356.4(P3H1):c.1948G>C (p.Gly650Arg)

Gene: P3H1 (prolyl 3-hydroxylase 1; minus strand). Cytogenetic location: 1p34.2.
Variant type: single nucleotide variant.
Coding change: c.1948G>C on transcript NM_022356.4 (MANE Select); coding-DNA position 1948, G replaced by C.
Protein change: p.Gly650Arg; replaces glycine 650 with arginine.
Molecular consequence: missense variant.
Genome position (GRCh38, 1-based): chr1:42,747,379, C>G on the plus strand (G>C on the coding strand, the complement: P3H1 is on the minus strand). VCF-style: chr1-42747379-C-G. GRCh37 (hg19) VCF-style: chr1-43213050-C-G.
Other names: c.1948G>C, p.Gly650Arg (NM_001146289.2, NM_001243246.2); short protein forms G650R.
Identifiers: ClinVar variation 3896197 (VCV003896197.2).
Genomic context (GRCh38, chr1:42,747,379, plus strand): 5'-AGCGCTGCCCCCTGGTGACAGCCTTCACTCCATGTGGGTTTTCAGTGCCTGAAGAGAATC[C>G]CACGGCTCTTCCACACTGAGGCTGCACCTCTGCCTAAGGGGGACAGAAAGGGAGGGGGGT-3'
Protein context (NP_071751.3, residues 640-660): EVQPQCGRAV[Gly650Arg]FSSGTENPHG

ClinVar aggregate classification (germline): Uncertain significance (1 of 4 stars; one submission).

Submission:

Women's Health and Genetics/Laboratory Corporation of America, LabCorp
Classification: Uncertain significance. Last evaluated: 2025-04-17. Review status: criteria provided, single submitter. Criteria: LabCorp Variant Classification Summary - May 2015. Collection method: clinical testing. Allele origin: germline.
Comment: Variant summary: P3H1 c.1948G>C (p.Gly650Arg) results in a non-conservative amino acid change in the encoded protein sequence. Four of five in-silico tools predict a damaging effect of the variant on protein function. The variant allele was found at a frequency of 4e-06 in 247560 control chromosomes. The available data on variant occurrences in the general population are insufficient to allow any conclusion about variant significance. c.1948G>C has been observed in the cmpound heterozygous state in at least one individual affected with Osteogenesis Imperfecta (Li_2020). These data do not allow any conclusion about variant significance. To our knowledge, no experimental evidence demonstrating an impact on protein function has been reported. The following publication have been ascertained in the context of this evaluation (PMID: 33093841). No submitters have cited clinical-significance assessments for this variant to ClinVar. Based on the evidence outlined above, the variant was classified as uncertain significance.

Literature cited by the submitters: PubMed 33093841.